The following is an entry in ClinVar:

ClinVar aggregate classification (germline): Uncertain significance (1 of 4 stars; one submission).

Conditions:
Hereditary cancer-predisposing syndrome. Also called: Tumor predisposition; Hereditary Cancer Syndrome; Hereditary neoplastic syndrome; Neoplastic Syndromes, Hereditary. Identifiers: Orphanet 140162, MedGen C0027672, MeSH D009386, MONDO:0015356.

Submission:

Ambry Genetics
Classification: Uncertain significance for Hereditary cancer-predisposing syndrome. Last evaluated: 2023-08-02. Review status: criteria provided, single submitter. Criteria: Ambry Variant Classification Scheme 2023. Collection method: clinical testing. Allele origin: germline.
Comment: The p.A1204V variant (also known as c.3611C>T), located in coding exon 7 of the MSH6 gene, results from a C to T substitution at nucleotide position 3611. The alanine at codon 1204 is replaced by valine, an amino acid with similar properties. This amino acid position is conserved. In addition, this alteration is predicted to be deleterious by in silico analysis. Since supporting evidence is limited at this time, the clinical significance of this alteration remains unclear.

NM_000179.3(MSH6):c.3611C>T (p.Ala1204Val)

Gene: MSH6 (mutS homolog 6; plus strand). Cytogenetic location: 2p16.3.
Variant type: single nucleotide variant.
Coding change: c.3611C>T on transcript NM_000179.3 (MANE Select); coding-DNA position 3611, C replaced by T.
Protein change: p.Ala1204Val; replaces alanine 1204 with valine.
Molecular consequence: missense variant. On other transcripts: non-coding transcript variant (5).
Genome position (GRCh38, 1-based): chr2:47,805,672, C>T. VCF-style: chr2-47805672-C-T. GRCh37 (hg19) VCF-style: chr2-48032811-C-T.
Other names: c.3221C>T, p.Ala1074Val (NM_001281492.2); c.2705C>T, p.Ala902Val (NM_001281493.2, NM_001281494.2, NM_001406811.1 and 6 more transcripts); c.3707C>T, p.Ala1236Val (NM_001406795.1, NM_001406802.1); c.3611C>T, p.Ala1204Val (NM_001406796.1, NM_001406800.1, NM_001406808.1 and 1 more transcripts); c.3314C>T, p.Ala1105Val (NM_001406797.1, NM_001406801.1, NM_001406805.1 and 10 more transcripts); c.3437C>T, p.Ala1146Val (NM_001406798.1); c.3086C>T, p.Ala1029Val (NM_001406799.1, NM_001406806.1, NM_001406807.1); c.2747C>T, p.Ala916Val (NM_001406803.1); and 7 more; short protein forms A1178V, A1206V, A1236V, A131V, A1146V, A1148V, A682V, A902V.
Identifiers: ClinVar variation 2587342 (VCV002587342.2), dbSNP rs2104524707, ClinGen allele CA346760572.